The following is an entry in ClinVar:

NM_022765.4(MICAL1):c.2489C>T (p.Pro830Leu)

Gene: MICAL1 (microtubule associated monooxygenase, calponin and LIM domain containing 1; minus strand). Cytogenetic location: 6q21.
Variant type: single nucleotide variant.
Coding change: c.2489C>T on transcript NM_022765.4 (MANE Select); coding-DNA position 2489, C replaced by T.
Protein change: p.Pro830Leu; replaces proline 830 with leucine.
Molecular consequence: missense variant.
Genome position (GRCh38, 1-based): chr6:109,446,228, G>A on the plus strand (C>T on the coding strand, the complement: MICAL1 is on the minus strand). VCF-style: chr6-109446228-G-A. GRCh37 (hg19) VCF-style: chr6-109767431-G-A.
Other names: c.2231C>T, p.Pro744Leu (NM_001159291.2); c.2546C>T, p.Pro849Leu (NM_001286613.2); short protein forms P744L, P849L, P830L.
Identifiers: ClinVar variation 1977692 (VCV001977692.5), dbSNP rs202159816, ClinGen allele CA145117258.

ClinVar aggregate classification (germline): Uncertain significance (1 of 4 stars; one submission).

Allele frequency attached by ClinVar (database versions not stated): TOPMed 0.00001; 1000 Genomes Project 30x 0.00016; 1000 Genomes Project 0.00020.

Submission:

Labcorp Genetics (formerly Invitae), Labcorp
Classification: Uncertain significance. Last evaluated: 2023-11-18. Review status: criteria provided, single submitter. Criteria: Invitae Variant Classification Sherloc (09022015). Collection method: clinical testing. Allele origin: germline.
Comment: This sequence change replaces proline, which is neutral and non-polar, with leucine, which is neutral and non-polar, at codon 849 of the MICAL1 protein (p.Pro849Leu). This variant is not present in population databases (gnomAD no frequency). This variant has not been reported in the literature in individuals affected with MICAL1-related conditions. ClinVar contains an entry for this variant (Variation ID: 1977692). An algorithm developed to predict the effect of missense changes on protein structure and function (PolyPhen-2) suggests that this variant is likely to be disruptive. In summary, the available evidence is currently insufficient to determine the role of this variant in disease. Therefore, it has been classified as a Variant of Uncertain Significance.